The following is an entry in ClinVar:

ClinVar aggregate classification (germline): Uncertain significance (1 of 4 stars; one submission).

Conditions:
LAMA2-related muscular dystrophy (LAMA2-RD). Also called: Laminin alpha 2-related dystrophy. Identifiers: MedGen C5679788, MONDO:0100228.

Allele frequency attached by ClinVar (database versions not stated): gnomAD exomes 0.00001; ExAC 0.00013.
gnomAD v4.1: 13 of 1,553,626 alleles (0.00084%); highest among the groups gnomAD compares: South Asian, 0.015%; no homozygotes.

Submission:

Labcorp Genetics (formerly Invitae), Labcorp
Classification: Uncertain significance for LAMA2-related muscular dystrophy. Last evaluated: 2022-04-12. Review status: criteria provided, single submitter. Criteria: Invitae Variant Classification Sherloc (09022015). Collection method: clinical testing. Allele origin: germline.
Comment: This sequence change replaces glycine, which is neutral and non-polar, with arginine, which is basic and polar, at codon 3 of the LAMA2 protein (p.Gly3Arg). This variant is present in population databases (rs761472320, gnomAD 0.01%). This variant has not been reported in the literature in individuals affected with LAMA2-related conditions. Advanced modeling of protein sequence and biophysical properties (such as structural, functional, and spatial information, amino acid conservation, physicochemical variation, residue mobility, and thermodynamic stability) performed at Invitae indicates that this missense variant is not expected to disrupt LAMA2 protein function. In summary, the available evidence is currently insufficient to determine the role of this variant in disease. Therefore, it has been classified as a Variant of Uncertain Significance.

NM_000426.4(LAMA2):c.7G>A (p.Gly3Arg)

Gene: LAMA2 (laminin subunit alpha 2; plus strand). Cytogenetic location: 6q22.33.
Variant type: single nucleotide variant.
Coding change: c.7G>A on transcript NM_000426.4 (MANE Select); coding-DNA position 7, G replaced by A.
Protein change: p.Gly3Arg; replaces glycine 3 with arginine.
Molecular consequence: missense variant.
Genome position (GRCh38, 1-based): chr6:128,883,252, G>A. VCF-style: chr6-128883252-G-A. GRCh37 (hg19) VCF-style: chr6-129204397-G-A.
Other names: c.7G>A, p.Gly3Arg (NM_001079823.2); short protein forms G3R.
Identifiers: ClinVar variation 2189738 (VCV002189738.1), dbSNP rs761472320, ClinGen allele CA3992190.